The following is an entry in ClinVar:

NM_001130987.2(DYSF):c.1256G>A (p.Arg419Gln)

Gene: DYSF (dysferlin; plus strand). Cytogenetic location: 2p13.2.
Variant type: single nucleotide variant.
Coding change: c.1256G>A on transcript NM_001130987.2 (MANE Select); coding-DNA position 1256, G replaced by A.
Protein change: p.Arg419Gln; replaces arginine 419 with glutamine.
Molecular consequence: missense variant.
Genome position (GRCh38, 1-based): chr2:71,526,326, G>A. VCF-style: chr2-71526326-G-A. GRCh37 (hg19) VCF-style: chr2-71753456-G-A.
Other names: c.1163G>A, p.Arg388Gln (NM_001130455.2, NM_001130983.2, NM_001130984.2 and 1 more transcripts); c.1160G>A, p.Arg387Gln (NM_001130976.2, NM_001130977.2, NM_001130978.2 and 1 more transcripts); c.1253G>A, p.Arg418Gln (NM_001130979.2, NM_001130980.2, NM_001130981.2); c.1256G>A, p.Arg419Gln (NM_001130982.2, NM_001130985.2); short protein forms R419Q, R387Q, R388Q, R418Q.
Identifiers: ClinVar variation 538630 (VCV000538630.11), dbSNP rs776036392, ClinGen allele CA1705662.

ClinVar aggregate classification (germline): Conflicting classifications of pathogenicity. Review status: criteria provided, conflicting classifications (1 of 4 stars). 4 submissions from 4 submitters: Uncertain significance (1); Likely benign (2). 1 of the submissions does not count toward it. Last evaluated 2026-01-09.

Conditions:
Autosomal recessive limb-girdle muscular dystrophy type 2B (LGMDR2). Also called: MUSCULAR DYSTROPHY, LIMB-GIRDLE, TYPE 3; Limb-girdle muscular dystrophy, type 2B; MUSCULAR DYSTROPHY, LIMB-GIRDLE, AUTOSOMAL RECESSIVE 2; Limb-Girdle Muscular Dystrophy Type 2B (LGMD2B). Identifiers: Orphanet 268, MedGen C1850889, MONDO:0009676, OMIM 253601.
Neuromuscular disease caused by qualitative or quantitative defects of dysferlin. Also called: Qualitative or quantitative defects of dysferlin; Dysferlinopathy. Identifiers: Orphanet 207073, MedGen C2931687, MONDO:0016145.

Allele frequency attached by ClinVar (database versions not stated): TOPMed 0.00002.
gnomAD v4.1: 39 of 1,613,978 alleles (0.0024%); highest among the groups gnomAD compares: East Asian, 0.033%; no homozygotes.

Submissions (4):

Labcorp Genetics (formerly Invitae), Labcorp
Classification: Likely benign for Neuromuscular disease caused by qualitative or quantitative defects of dysferlin. Last evaluated: 2026-01-09. Review status: criteria provided, single submitter. Criteria: Invitae Variant Classification Sherloc (09022015). Collection method: clinical testing. Allele origin: germline.

Blueprint Genetics
Classification: Likely benign. Last evaluated: 2023-06-27. Review status: criteria provided, single submitter. Criteria: ACMG Guidelines, 2015. Collection method: clinical testing. Allele origin: germline.

GeneDx
Classification: Uncertain significance. Last evaluated: 2022-10-10. Review status: criteria provided, single submitter. Criteria: GeneDx Variant Classification Process June 2021. Collection method: clinical testing. Allele origin: germline. Affected: yes.
Comment: In silico analysis supports that this missense variant has a deleterious effect on protein structure/function; Has not been previously published as pathogenic or benign to our knowledge

Natera, Inc.
Classification: Uncertain significance for Limb-girdle muscular dystrophy type 2B. Last evaluated: 2019-10-28. Review status: no assertion criteria provided. Collection method: clinical testing. Allele origin: germline. Not counted in ClinVar's aggregate classification.